The following is an entry in ClinVar:

NM_001267550.2(TTN):c.78246del (p.Tyr26083fs)

Genes: TTN (titin; minus strand), TTN-AS1 (TTN antisense RNA 1; plus strand). Cytogenetic location: 2q31.2.
Variant type: Deletion.
Coding change: c.78246del on transcript NM_001267550.2 (MANE Select); coding-DNA position 78246, one base deleted (C; older notation c.78246delC).
Protein change: p.Tyr26083fs; shifts the reading frame from tyrosine 26083.
Molecular consequence: frameshift variant.
Genome position (GRCh38, 1-based): chr2:178,567,886, G deleted on the plus strand (C on the coding strand, the reverse complement: TTN is on the minus strand). VCF-style (leftmost placement, unchanged base first): chr2-178567885-AG-A. GRCh37 (hg19) VCF-style: chr2-179432612-AG-A.
Other names: c.73323del, p.Tyr24442fs (NM_001256850.1); c.51051del, p.Tyr17018fs (NM_003319.4); c.70542del, p.Tyr23515fs (NM_133378.4); c.51426del, p.Tyr17143fs (NM_133432.3); c.51627del, p.Tyr17210fs (NM_133437.4); short protein forms Y17143fs, Y26083fs, Y17018fs, Y17210fs, Y23515fs, Y24442fs.
Identifiers: ClinVar variation 4786134 (VCV004786134.1).

ClinVar aggregate classification (germline): Likely pathogenic (1 of 4 stars; one submission).

Conditions:
Autosomal recessive limb-girdle muscular dystrophy type 2J (LGMDR10). Also called: Limb-girdle muscular dystrophy, type 2J; MUSCULAR DYSTROPHY, LIMB-GIRDLE, AUTOSOMAL RECESSIVE 10. Identifiers: Orphanet 140922, MedGen C1837342, MONDO:0012127, OMIM 608807.
Dilated cardiomyopathy 1G (CMD1G). Identifiers: Orphanet 154, MedGen C1858763, MONDO:0011400, OMIM 604145.

Submission:

Labcorp Genetics (formerly Invitae), Labcorp
Classification: Likely pathogenic for Dilated cardiomyopathy 1G; Autosomal recessive limb-girdle muscular dystrophy type 2J. Last evaluated: 2025-09-14. Review status: criteria provided, single submitter. Criteria: Invitae Variant Classification Sherloc (09022015). Collection method: clinical testing. Allele origin: germline.
Comment: This sequence change creates a premature translational stop signal (p.Tyr26083Metfs*2) in the TTN gene. While this is not anticipated to result in nonsense mediated decay, it is expected to create a truncated TTN protein. This variant is not present in population databases (gnomAD no frequency). This variant has not been reported in the literature in individuals affected with TTN-related conditions. This variant is located in the A band of TTN (PMID: 25589632). Truncating variants in this region are significantly overrepresented in patients affected with dilated cardiomyopathy (PMID: 25589632). Truncating variants in this region have also been reported in individuals affected with autosomal recessive centronuclear myopathy (PMID: 23975875). In summary, the currently available evidence indicates that the variant is pathogenic, but additional data are needed to prove that conclusively. Therefore, this variant has been classified as Likely Pathogenic.

Literature cited by the submitters: PubMed 25589632; PubMed 23975875.